The following is an entry in ClinVar:

ClinVar aggregate classification (germline): Benign. Review status: reviewed by expert panel (3 of 4 stars). 8 submissions from 8 submitters: Benign (1). 7 of the submissions do not count toward it. Last evaluated 2023-02-18.

Conditions:
Classic or attenuated familial adenomatous polyposis. Identifiers: MedGen CN372698, MONDO:0021057.
Hereditary cancer-predisposing syndrome. Also called: Hereditary neoplastic syndrome; Tumor predisposition; Hereditary Cancer Syndrome; Neoplastic Syndromes, Hereditary. Identifiers: Orphanet 140162, MedGen C0027672, MeSH D009386, MONDO:0015356.
Ovarian cancer. Also called: OVARIAN CANCER, SOMATIC. Identifiers: Orphanet 213500, MedGen C1140680, MONDO:0008170, OMIM 167000.
Familial adenomatous polyposis 1 (FAP1). Also called: FAMILIAL ADENOMATOUS POLYPOSIS 1, ATTENUATED; POLYPOSIS, ADENOMATOUS INTESTINAL. Identifiers: MedGen C2713442, MONDO:0021056, OMIM 175100. Disease mechanism: loss of function.

Allele frequency attached by ClinVar (database versions not stated): gnomAD exomes below 0.00001; ExAC 0.00001.
gnomAD v4.1: 6 of 1,612,386 alleles (0.00037%); highest among the groups gnomAD compares: East Asian, 0.013%; no homozygotes.

Submissions (8):

ClinGen InSiGHT Hereditary Colorectal Cancer/Polyposis Variant Curation Expert Panel
Classification: Benign for Familial adenomatous polyposis 1. Last evaluated: 2023-02-18. Review status: reviewed by expert panel. Criteria: ClinGen InSiGHT HCCP VCEP ACMG Specifications APC V1. Collection method: curation. Allele origin: germline. Inheritance: Autosomal dominant inheritance.
Comment: The c.715G>C variant in APC is a missense variant predicted to cause substitution of alanine by proline at amino acid 239 (p.Ala239Pro). This variant has been observed in more than 35 heterozygous individuals with no features or family history of FAP, worth more than 10 healthy individual points (BS2; Ambry, Invitae internal data). The highest allele frequency of this variant in gnomAD v2.1.1 (non-cancer) is 0.0002269 in East Asian population, which is higher than the ClinGen InSiGHT Hereditary Colorectal Cancer/Polyposis Variant Curation Expert Panel (HCCP VCEP) threshold (0.00001) for BS1 (BS1). Finally, APC is defined by the HCCP VCEP as a gene for which primarily truncating variants are known to cause disease (BP1). In summary, this variant meets the criteria to be classified as Benign for FAP based on the ACMG/AMP criteria applied, as specified by the HCCP VCEP: BS1, BS2, BP1. (VCEP specifications version 1; date of approval 12/12/2022).

Labcorp Genetics (formerly Invitae), Labcorp
Classification: Uncertain significance for Familial adenomatous polyposis 1. Last evaluated: 2026-02-03. Review status: criteria provided, single submitter. Criteria: Invitae Variant Classification Sherloc (09022015). Collection method: clinical testing. Allele origin: germline. Not counted in ClinVar's aggregate classification.
Comment: This sequence change replaces alanine, which is neutral and non-polar, with proline, which is neutral and non-polar, at codon 239 of the APC protein (p.Ala239Pro). This variant is present in population databases (rs777760565, gnomAD 0.02%). This variant has not been reported in the literature in individuals affected with APC-related conditions. ClinVar contains an entry for this variant (Variation ID: 220329). Invitae Evidence Modeling of protein sequence and biophysical properties (such as structural, functional, and spatial information, amino acid conservation, physicochemical variation, residue mobility, and thermodynamic stability) indicates that this missense variant is not expected to disrupt APC protein function with a negative predictive value of 95%. In summary, the available evidence is currently insufficient to determine the role of this variant in disease. Therefore, it has been classified as a Variant of Uncertain Significance.

All of Us Research Program, National Institutes of Health
Classification: Uncertain significance for Classic or attenuated familial adenomatous polyposis. Last evaluated: 2024-05-14. Review status: criteria provided, single submitter. Criteria: ACMG Guidelines, 2015. Collection method: clinical testing. Allele origin: germline. Inheritance: Autosomal dominant inheritance. Observed: 2 variant alleles, 2 heterozygotes. Not counted in ClinVar's aggregate classification.
Comment: This missense variant replaces alanine with proline at codon 239 of the APC protein. Computational prediction is inconclusive regarding the impact of this variant on protein structure and function (internally defined REVEL score threshold 0.5 < inconclusive < 0.7, PMID: 27666373). To our knowledge, functional studies have not been reported for this variant. This variant has not been reported in individuals affected with hereditary cancer in the literature. This variant has been identified in 4/251184 chromosomes in the general population by the Genome Aggregation Database (gnomAD). The available evidence is insufficient to determine the role of this variant in disease conclusively. Therefore, this variant is classified as a Variant of Uncertain Significance.

This study involves interpretation of variants in research participants for the purpose of population health screening. Participant phenotype was not available at the time of variant classification. Additional details can be found in publication PMID: 35346344, PMCID: PMC8962531

Color Diagnostics, LLC DBA Color Health
Classification: Uncertain significance for Hereditary cancer-predisposing syndrome. Last evaluated: 2024-03-07. Review status: criteria provided, single submitter. Criteria: ACMG Guidelines, 2015. Collection method: clinical testing. Allele origin: germline. Not counted in ClinVar's aggregate classification.
Comment: This missense variant replaces alanine with proline at codon 239 of the APC protein. Computational prediction suggests that this variant may not impact protein structure and function (internally defined REVEL score threshold <= 0.5, PMID: 27666373). To our knowledge, functional studies have not been reported for this variant. This variant has not been reported in individuals affected with APC-related disorders in the literature. This variant has been identified in 4/251184 chromosomes in the general population by the Genome Aggregation Database (gnomAD). The available evidence is insufficient to determine the role of this variant in disease conclusively. Therefore, this variant is classified as a Variant of Uncertain Significance.

Myriad Genetics, Inc.
Classification: Uncertain significance for Familial adenomatous polyposis 1. Last evaluated: 2023-02-15. Review status: criteria provided, single submitter. Criteria: Myriad Autosomal Dominant, Autosomal Recessive and X-Linked Classification Criteria (2023). Collection method: clinical testing. Allele origin: unknown. Not counted in ClinVar's aggregate classification.
Comment: This variant is classified as a variant of uncertain significance as there is insufficient evidence to determine its impact on protein function and/or cancer risk.

Laboratory of Molecular Epidemiology of Birth Defects, West China Second University Hospital, Sichuan University
Classification: Benign for Ovarian cancer. Last evaluated: 2022-01-01. Review status: criteria provided, single submitter. Criteria: ACMG Guidelines, 2015. Collection method: clinical testing. Allele origin: germline. Affected: yes. Not counted in ClinVar's aggregate classification.

Ambry Genetics
Classification: Likely benign for Hereditary cancer-predisposing syndrome. Last evaluated: 2021-10-27. Review status: criteria provided, single submitter. Criteria: Ambry Variant Classification Scheme 2023. Collection method: clinical testing. Allele origin: germline. Not counted in ClinVar's aggregate classification.

Counsyl
Classification: Uncertain significance for Familial adenomatous polyposis 1. Last evaluated: 2017-03-28. Review status: no assertion criteria provided. Collection method: clinical testing. Allele origin: unknown. Not counted in ClinVar's aggregate classification.

NM_000038.6(APC):c.715G>C (p.Ala239Pro)

Gene: APC (APC regulator of Wnt signaling pathway; plus strand). Cytogenetic location: 5q22.2.
Variant type: single nucleotide variant.
Coding change: c.715G>C on transcript NM_000038.6 (MANE Select); coding-DNA position 715, G replaced by C.
Protein change: p.Ala239Pro; replaces alanine 239 with proline.
Molecular consequence: missense variant. On other transcripts: 5 prime UTR variant (1), intron variant (2).
Genome position (GRCh38, 1-based): chr5:112,792,515, G>C. VCF-style: chr5-112792515-G-C. GRCh37 (hg19) VCF-style: chr5-112128212-G-C.
Other names: NM_000038.6(APC):c.715G>C; p.Ala239Pro; c.715G>C, p.Ala239Pro (NM_001127510.3, NM_001354895.2, NM_001354896.2 and 1 more transcripts); c.745G>C, p.Ala249Pro (NM_001354897.2, NM_001354902.2); c.640G>C, p.Ala214Pro (NM_001354898.2, NM_001354904.2); c.538G>C, p.Ala180Pro (NM_001354900.2, NM_001354901.2, NM_001354905.2); c.-321G>C (NM_001354906.2); c.676-8764G>C (NM_001127511.3); and 1 more; short protein forms A239P, A249P, A214P, A180P.
Identifiers: ClinVar variation 220329 (VCV000220329.24), dbSNP rs777760565, ClinGen allele CA047113.
Genomic context (GRCh38, chr5:112,792,515, plus strand): 5'-GCCAGAATTCAGCAAATCGAAAAGGACATACTTCGTATACGACAGCTTTTACAGTCCCAA[G>C]CAACAGAAGCAGAGGTTAGTAAATTGCCTTTCTTGTTTGTGGGTATAAAAATAGGTAGTT-3'
Protein context (NP_000029.2, residues 229-249): LRIRQLLQSQ[Ala239Pro]TEAERSSQNK